The following is an entry in ClinVar:

NM_004727.3(SLC24A1):c.46C>T (p.Arg16Trp)

Gene: SLC24A1 (solute carrier family 24 member 1; plus strand). Cytogenetic location: 15q22.31.
Variant type: single nucleotide variant.
Coding change: c.46C>T on transcript NM_004727.3 (MANE Select); coding-DNA position 46, C replaced by T.
Protein change: p.Arg16Trp; replaces arginine 16 with tryptophan.
Molecular consequence: missense variant.
Genome position (GRCh38, 1-based): chr15:65,624,126, C>T. VCF-style: chr15-65624126-C-T. GRCh37 (hg19) VCF-style: chr15-65916464-C-T.
Other names: c.46C>T, p.Arg16Trp (NM_001301031.1, NM_001301032.1, NM_001301033.2 and 1 more transcripts); short protein forms R16W.
Identifiers: ClinVar variation 1934166 (VCV001934166.5), dbSNP rs773536245, ClinGen allele CA7619678.

ClinVar aggregate classification (germline): Uncertain significance (1 of 4 stars; one submission).

Allele frequency attached by ClinVar (database versions not stated): gnomAD 0.00001; gnomAD exomes 0.00001; ExAC 0.00003.
gnomAD v4.1: 10 of 1,611,850 alleles (0.00062%); highest among the groups gnomAD compares: East Asian, 0.0022%; no homozygotes.

Submission:

Labcorp Genetics (formerly Invitae), Labcorp
Classification: Uncertain significance. Last evaluated: 2022-06-04. Review status: criteria provided, single submitter. Criteria: Invitae Variant Classification Sherloc (09022015). Collection method: clinical testing. Allele origin: germline.
Comment: This sequence change replaces arginine, which is basic and polar, with tryptophan, which is neutral and slightly polar, at codon 16 of the SLC24A1 protein (p.Arg16Trp). This variant is present in population databases (rs773536245, gnomAD 0.006%). This variant has not been reported in the literature in individuals affected with SLC24A1-related conditions. Algorithms developed to predict the effect of missense changes on protein structure and function output the following: SIFT: "Deleterious"; PolyPhen-2: "Possibly Damaging"; Align-GVGD: "Class C0". The tryptophan amino acid residue is found in multiple mammalian species, which suggests that this missense change does not adversely affect protein function. In summary, the available evidence is currently insufficient to determine the role of this variant in disease. Therefore, it has been classified as a Variant of Uncertain Significance.